The following is an entry in ClinVar:

ClinVar aggregate classification (germline): Likely pathogenic (1 of 4 stars; one submission).

Conditions:
F8-related disorder. Also called: F8-related condition.

Submission:

PreventionGenetics, part of Exact Sciences
Classification: Likely pathogenic for F8-related condition. Last evaluated: 2023-08-11. Review status: criteria provided, single submitter. Criteria: ACMG Guidelines, 2015. Collection method: clinical testing. Allele origin: germline.
Comment: The F8 c.517C>T variant is predicted to result in the amino acid substitution p.Leu173Phe. This variant was reported in an individual with hemophilia A (Green et al 2008. PubMed ID: 18691168). Other missense variants at the same residue (p.Leu173Val; p.Leu173Arg) have been reported in patients with hemophilia A (Rydz et al. 2013. PubMed ID: 23913812; Santacroce et al. 2008. PubMed ID: 1821719). This variant has not been reported in a large population database, indicating this variant is rare. This variant is interpreted as likely pathogenic.

NM_000132.4(F8):c.517C>T (p.Leu173Phe)

Gene: F8 (coagulation factor VIII; minus strand). Cytogenetic location: Xq28.
Variant type: single nucleotide variant.
Coding change: c.517C>T on transcript NM_000132.4 (MANE Select); coding-DNA position 517, C replaced by T.
Protein change: p.Leu173Phe; replaces leucine 173 with phenylalanine.
Molecular consequence: missense variant.
Genome position (GRCh38, 1-based): chrX:154,993,020, G>A on the plus strand (C>T on the coding strand, the complement: F8 is on the minus strand). VCF-style: chrX-154993020-G-A. GRCh37 (hg19) VCF-style: chrX-154221295-G-A.
Other names: short protein forms L173F.
Identifiers: ClinVar variation 2631641 (VCV002631641.1), dbSNP rs2523977122, ClinGen allele CA414919542.